The following is an entry in ClinVar:

NM_002968.3(SALL1):c.2174A>G (p.Tyr725Cys)

Gene: SALL1 (spalt like transcription factor 1; minus strand). Cytogenetic location: 16q12.1.
Variant type: single nucleotide variant.
Coding change: c.2174A>G on transcript NM_002968.3 (MANE Select); coding-DNA position 2174, A replaced by G.
Protein change: p.Tyr725Cys; replaces tyrosine 725 with cysteine.
Molecular consequence: missense variant.
Genome position (GRCh38, 1-based): chr16:51,140,048, T>C on the plus strand (A>G on the coding strand, the complement: SALL1 is on the minus strand). VCF-style: chr16-51140048-T-C. GRCh37 (hg19) VCF-style: chr16-51173959-T-C.
Other names: c.1883A>G, p.Tyr628Cys (NM_001127892.2); short protein forms Y628C, Y725C.
Identifiers: ClinVar variation 4530014 (VCV004530014.1).

ClinVar aggregate classification (germline): Uncertain significance (1 of 4 stars; one submission).

Submission:

GeneDx
Classification: Uncertain significance. Last evaluated: 2025-05-15. Review status: criteria provided, single submitter. Criteria: GeneDx Variant Classification Process June 2021. Collection method: clinical testing. Allele origin: germline. Affected: yes.
Comment: Not observed at significant frequency in large population cohorts (gnomAD); In silico analysis supports that this missense variant has a deleterious effect on protein structure/function; Has not been previously published as pathogenic or benign to our knowledge